The following is an entry in ClinVar:

NM_018670.4(MESP1):c.202T>C (p.Ser68Pro)

Genes: MESP1 (mesoderm posterior bHLH transcription factor 1; minus strand), LOC130057889 (ATAC-STARR-seq lymphoblastoid silent region 6804; plus strand). Cytogenetic location: 15q26.1.
Variant type: single nucleotide variant.
Coding change: c.202T>C on transcript NM_018670.4 (MANE Select); coding-DNA position 202, T replaced by C.
Protein change: p.Ser68Pro; replaces serine 68 with proline.
Molecular consequence: missense variant.
Genome position (GRCh38, 1-based): chr15:89,751,030, A>G on the plus strand (T>C on the coding strand, the complement: MESP1 is on the minus strand). VCF-style: chr15-89751030-A-G. GRCh37 (hg19) VCF-style: chr15-90294261-A-G.
Other names: short protein forms S68P.
Identifiers: ClinVar variation 4703063 (VCV004703063.1).

ClinVar aggregate classification (germline): Uncertain significance (1 of 4 stars; one submission).

Submission:

Labcorp Genetics (formerly Invitae), Labcorp
Classification: Uncertain significance. Last evaluated: 2025-06-11. Review status: criteria provided, single submitter. Criteria: Invitae Variant Classification Sherloc (09022015). Collection method: clinical testing. Allele origin: germline.
Comment: This sequence change replaces serine, which is neutral and polar, with proline, which is neutral and non-polar, at codon 68 of the MESP1 protein (p.Ser68Pro). This variant is present in population databases (no rsID available, gnomAD 0.01%). This variant has not been reported in the literature in individuals affected with MESP1-related conditions. An algorithm developed to predict the effect of missense changes on protein structure and function outputs the following: PolyPhen-2: "Benign". The proline amino acid residue is found in multiple mammalian species, which suggests that this missense change does not adversely affect protein function. In summary, the available evidence is currently insufficient to determine the role of this variant in disease. Therefore, it has been classified as a Variant of Uncertain Significance.